The following is an entry in ClinVar:

ClinVar aggregate classification (germline): Uncertain significance. Review status: criteria provided, multiple submitters, no conflicts (2 of 4 stars). 2 submissions from 2 submitters: Uncertain significance (2). Last evaluated 2024-04-22.

Conditions:
Bardet-Biedl syndrome (BBS). Identifiers: Orphanet 110, MedGen C0752166, MONDO:0015229.
Bardet-Biedl syndrome 10 (BBS10). Identifiers: Orphanet 110, MedGen C1859568, MONDO:0014438, OMIM 615987.

Allele frequency attached by ClinVar (database versions not stated): TOPMed below 0.00001; gnomAD 0.00001.

Submissions (2):

Fulgent Genetics
Classification: Uncertain significance for Bardet-Biedl syndrome 10. Last evaluated: 2024-04-22. Review status: criteria provided, single submitter. Criteria: ACMG Guidelines, 2015. Collection method: clinical testing. Allele origin: germline.

Labcorp Genetics (formerly Invitae), Labcorp
Classification: Uncertain significance for Bardet-Biedl syndrome. Last evaluated: 2022-09-06. Review status: criteria provided, single submitter. Criteria: Invitae Variant Classification Sherloc (09022015). Collection method: clinical testing. Allele origin: germline.
Comment: This sequence change replaces aspartic acid, which is acidic and polar, with alanine, which is neutral and non-polar, at codon 106 of the BBS10 protein (p.Asp106Ala). This variant is present in population databases (no rsID available, gnomAD 0.007%). This variant has not been reported in the literature in individuals affected with BBS10-related conditions. Algorithms developed to predict the effect of missense changes on protein structure and function are either unavailable or do not agree on the potential impact of this missense change (SIFT: "Deleterious"; PolyPhen-2: "Benign"; Align-GVGD: "Class C0"). In summary, the available evidence is currently insufficient to determine the role of this variant in disease. Therefore, it has been classified as a Variant of Uncertain Significance.

NM_024685.4(BBS10):c.317A>C (p.Asp106Ala)

Gene: BBS10 (Bardet-Biedl syndrome 10; minus strand). Cytogenetic location: 12q21.2.
Variant type: single nucleotide variant.
Coding change: c.317A>C on transcript NM_024685.4 (MANE Select); coding-DNA position 317, A replaced by C.
Protein change: p.Asp106Ala; replaces aspartic acid 106 with alanine.
Molecular consequence: missense variant.
Genome position (GRCh38, 1-based): chr12:76,347,668, T>G on the plus strand (A>C on the coding strand, the complement: BBS10 is on the minus strand). VCF-style: chr12-76347668-T-G. GRCh37 (hg19) VCF-style: chr12-76741448-T-G.
Other names: short protein forms D106A.
Identifiers: ClinVar variation 2418344 (VCV002418344.3), dbSNP rs113821285, ClinGen allele CA239332519.